The following is an entry in ClinVar:

NM_001010874.5(TECRL):c.708T>G (p.Asn236Lys)

Gene: TECRL (trans-2,3-enoyl-CoA reductase like; minus strand). Cytogenetic location: 4q13.1.
Variant type: single nucleotide variant.
Coding change: c.708T>G on transcript NM_001010874.5 (MANE Select); coding-DNA position 708, T replaced by G.
Protein change: p.Asn236Lys; replaces asparagine 236 with lysine.
Molecular consequence: missense variant.
Genome position (GRCh38, 1-based): chr4:64,305,188, A>C on the plus strand (T>G on the coding strand, the complement: TECRL is on the minus strand). VCF-style: chr4-64305188-A-C. GRCh37 (hg19) VCF-style: chr4-65170906-A-C.
Other names: c.708T>G, p.Asn236Lys (NM_001363796.1); short protein forms N236K.
Identifiers: ClinVar variation 1757101 (VCV001757101.4), dbSNP rs375999293, ClinGen allele CA2935422.
Genomic context (GRCh38, chr4:64,305,188, plus strand): 5'-CTTTAGTATACGGTTAGTTAAGAAGAAACCCTACATACATGGTGGTGTATATAGTGGATG[A>C]TTAATGTAGTAGGCAATCCAAGAAGTAAATCCCCAGTAAAAGGCACAACTCTGCAAACAA-3'
Protein context (NP_001010874.2, residues 226-246): GFTSWIAYYI[Asn236Lys]HPLYTPPSFG

ClinVar aggregate classification (germline): Uncertain significance. Review status: criteria provided, multiple submitters, no conflicts (2 of 4 stars). 2 submissions from 2 submitters: Uncertain significance (2). Last evaluated 2025-09-02.

Conditions:
Cardiovascular phenotype. Identifiers: MedGen CN230736.

Allele frequency attached by ClinVar (database versions not stated): ExAC 0.00001; gnomAD 0.00001; gnomAD exomes 0.00001; TOPMed 0.00001; ESP Exome Variant Server 0.00008.
gnomAD v4.1: 19 of 1,612,694 alleles (0.0012%); highest among the groups gnomAD compares: Non-Finnish European, 0.00034%; no homozygotes.

Submissions (2):

GeneDx
Classification: Uncertain significance. Last evaluated: 2025-09-02. Review status: criteria provided, single submitter. Criteria: GeneDx Variant Classification Process June 2021. Collection method: clinical testing. Allele origin: germline. Affected: yes.
Comment: In silico analysis supports that this missense variant has a deleterious effect on protein structure/function; Has not been previously published as pathogenic or benign to our knowledge

Ambry Genetics
Classification: Uncertain significance for Cardiovascular phenotype. Last evaluated: 2021-10-11. Review status: criteria provided, single submitter. Criteria: Ambry Variant Classification Scheme 2023. Collection method: clinical testing. Allele origin: germline.
Comment: The p.N236K variant (also known as c.708T>G), located in coding exon 7 of the TECRL gene, results from a T to G substitution at nucleotide position 708. The asparagine at codon 236 is replaced by lysine, an amino acid with similar properties. This amino acid position is conserved. In addition, this alteration is predicted to be tolerated by in silico analysis. Since supporting evidence is limited at this time, the clinical significance of this alteration remains unclear.